The following is an entry in ClinVar:

NM_000426.4(LAMA2):c.8245G>T (p.Gly2749Cys)

Genes: LAMA2 (laminin subunit alpha 2; plus strand), LOC126859784 (CDK7 strongly-dependent group 2 enhancer GRCh37_chr6:129822854-129824053; plus strand). Cytogenetic location: 6q22.33.
Variant type: single nucleotide variant.
Coding change: c.8245G>T on transcript NM_000426.4 (MANE Select); coding-DNA position 8245, G replaced by T.
Protein change: p.Gly2749Cys; replaces glycine 2749 with cysteine.
Molecular consequence: missense variant.
Genome position (GRCh38, 1-based): chr6:129,502,659, G>T. VCF-style: chr6-129502659-G-T. GRCh37 (hg19) VCF-style: chr6-129823804-G-T.
Other names: c.8233G>T, p.Gly2745Cys (NM_001079823.2); short protein forms G2749C, G2745C.
Identifiers: ClinVar variation 1450439 (VCV001450439.6), dbSNP rs1292262843, ClinGen allele CA365633561.
Genomic context (GRCh38, chr6:129,502,659, plus strand): 5'-CATTACCTTTTTAAAGAACAGTCCATAATCTCCTGTTTTTCTCTCCTGGGTATTTTACAG[G>T]GTCCTTGTGCTGCAGAATCAGAACCAGCTCTTTTGATAGGGAGCAAGCAGTTCGGGCTTT-3'
Protein context (NP_000417.3, residues 2739-2759): FPTPTPVLTH[Gly2749Cys]PCAAESEPAL

ClinVar aggregate classification (germline): Uncertain significance (1 of 4 stars; one submission).

Conditions:
LAMA2-related muscular dystrophy (LAMA2-RD). Also called: Laminin alpha 2-related dystrophy. Identifiers: MedGen C5679788, MONDO:0100228.

Submission:

Labcorp Genetics (formerly Invitae), Labcorp
Classification: Uncertain significance for LAMA2-related muscular dystrophy. Last evaluated: 2022-01-05. Review status: criteria provided, single submitter. Criteria: Invitae Variant Classification Sherloc (09022015). Collection method: clinical testing. Allele origin: germline.
Comment: In summary, the available evidence is currently insufficient to determine the role of this variant in disease. Therefore, it has been classified as a Variant of Uncertain Significance. Algorithms developed to predict the effect of missense changes on protein structure and function are either unavailable or do not agree on the potential impact of this missense change (SIFT: "Deleterious"; PolyPhen-2: "Benign"; Align-GVGD: "Class C0"). This variant has not been reported in the literature in individuals affected with LAMA2-related conditions. This variant is not present in population databases (gnomAD no frequency). This sequence change replaces glycine, which is neutral and non-polar, with cysteine, which is neutral and slightly polar, at codon 2749 of the LAMA2 protein (p.Gly2749Cys).